The following is an entry in ClinVar:

NM_001291303.3(FAT4):c.14042G>A (p.Gly4681Asp)

Gene: FAT4 (FAT atypical cadherin 4; plus strand). Cytogenetic location: 4q28.1.
Variant type: single nucleotide variant.
Coding change: c.14042G>A on transcript NM_001291303.3 (MANE Select); coding-DNA position 14042, G replaced by A.
Protein change: p.Gly4681Asp; replaces glycine 4681 with aspartic acid.
Molecular consequence: missense variant.
Genome position (GRCh38, 1-based): chr4:125,490,858, G>A. VCF-style: chr4-125490858-G-A. GRCh37 (hg19) VCF-style: chr4-126412013-G-A.
Other names: c.14039G>A, p.Gly4680Asp (NM_001291285.3); c.14036G>A, p.Gly4679Asp (NM_024582.6); short protein forms G4680D, G4679D, G4681D.
Identifiers: ClinVar variation 2035060 (VCV002035060.4), dbSNP rs1727607501, ClinGen allele CA358140502.
Genomic context (GRCh38, chr4:125,490,858, plus strand): 5'-TTGCAAGGCAATCCCCCATGCCCTTAGGAGCAAGCAGTTTGACTTACCAGCCTTCATATG[G>A]TCAAGGTTTGAGAACCAGCTCCCTAAGCCACTCAGCATGCCCAACTCCCAACCCTCTGTC-3'
Protein context (NP_001278232.1, residues 4671-4691): ASSLTYQPSY[Gly4681Asp]QGLRTSSLSH

ClinVar aggregate classification (germline): Uncertain significance (1 of 4 stars; one submission).

Allele frequency attached by ClinVar (database versions not stated): gnomAD 0.00001; TOPMed 0.00001.
gnomAD v4.1: 1 of 1,613,950 alleles (0.000062%); highest among the groups gnomAD compares: Admixed American, 0.0017%; no homozygotes.

Submission:

Labcorp Genetics (formerly Invitae), Labcorp
Classification: Uncertain significance. Last evaluated: 2022-11-22. Review status: criteria provided, single submitter. Criteria: Invitae Variant Classification Sherloc (09022015). Collection method: clinical testing. Allele origin: germline.
Comment: This sequence change replaces glycine, which is neutral and non-polar, with aspartic acid, which is acidic and polar, at codon 4679 of the FAT4 protein (p.Gly4679Asp). In summary, the available evidence is currently insufficient to determine the role of this variant in disease. Therefore, it has been classified as a Variant of Uncertain Significance. Advanced modeling of protein sequence and biophysical properties (such as structural, functional, and spatial information, amino acid conservation, physicochemical variation, residue mobility, and thermodynamic stability) performed at Invitae indicates that this missense variant is not expected to disrupt FAT4 protein function. This variant has not been reported in the literature in individuals affected with FAT4-related conditions. This variant is not present in population databases (gnomAD no frequency).